The following is an entry in ClinVar:

ClinVar aggregate classification (germline): Uncertain significance. Review status: criteria provided, multiple submitters, no conflicts (2 of 4 stars). 2 submissions from 2 submitters: Uncertain significance (2). Last evaluated 2025-03-05.

Conditions:
Pitt-Hopkins syndrome (PTHS). Also called: ENCEPHALOPATHY, SEVERE EPILEPTIC, WITH AUTONOMIC DYSFUNCTION; MENTAL RETARDATION, SYNDROMAL, WITH INTERMITTENT HYPERVENTILATION. Identifiers: Orphanet 2896, MedGen C1970431, MONDO:0012589, OMIM 610954.

Submissions (2):

Labcorp Genetics (formerly Invitae), Labcorp
Classification: Uncertain significance for Pitt-Hopkins syndrome. Last evaluated: 2025-03-05. Review status: criteria provided, single submitter. Criteria: Invitae Variant Classification Sherloc (09022015). Collection method: clinical testing. Allele origin: germline.
Comment: This sequence change replaces threonine, which is neutral and polar, with alanine, which is neutral and non-polar, at codon 170 of the TCF4 protein (p.Thr170Ala). This variant is not present in population databases (gnomAD no frequency). This variant has not been reported in the literature in individuals affected with TCF4-related conditions. ClinVar contains an entry for this variant (Variation ID: 207533). Invitae Evidence Modeling of protein sequence and biophysical properties (such as structural, functional, and spatial information, amino acid conservation, physicochemical variation, residue mobility, and thermodynamic stability) indicates that this missense variant is not expected to disrupt TCF4 protein function with a negative predictive value of 95%. In summary, the available evidence is currently insufficient to determine the role of this variant in disease. Therefore, it has been classified as a Variant of Uncertain Significance.

GeneDx
Classification: Uncertain significance. Last evaluated: 2014-06-11. Review status: criteria provided, single submitter. Criteria: GeneDx Variant Classification (06012015). Collection method: clinical testing. Allele origin: germline. Affected: yes.
Comment: p.Thr170Ala (ACA>GCA): c.508 A>G in exon 8 of the TCF4 gene (NM_001083962.1). The T170A variant has not been published as a mutation, nor has it been reported as a benign polymorphism to our knowledge. It was not observed in approximately 6,500 individuals of European and African American ancestry in the NHLBI Exome Sequencing Project, indicating it is not a common benign variant in these populations. The T170A variant is a non-conservative amino acid substitution, which is likely to impact secondary protein structure as these residues differ in polarity, charge, size and/or other properties. This substitution occurs at a position that is conserved across species. However, in silico analysis predicts the T170A variant likely does not alter the protein structure/function. Additionally, it is not located in a known functional domain, whereas all previously published pathogenic missense mutations have been identified in the functional domains of the TCF4 protein (Whalen et al., 2012). Therefore, based on the currently available information, it is unclear whether the T170A variant is a pathogenic mutation or a rare benign variant. The variant is found in EPILEPSY panel(s).

NM_001083962.2(TCF4):c.508A>G (p.Thr170Ala)

Gene: TCF4 (transcription factor 4; minus strand). Cytogenetic location: 18q21.2.
Variant type: single nucleotide variant.
Coding change: c.508A>G on transcript NM_001083962.2 (MANE Select); coding-DNA position 508, A replaced by G.
Protein change: p.Thr170Ala; replaces threonine 170 with alanine.
Molecular consequence: missense variant.
Genome position (GRCh38, 1-based): chr18:55,350,400, T>C on the plus strand (A>G on the coding strand, the complement: TCF4 is on the minus strand). VCF-style: chr18-55350400-T-C. GRCh37 (hg19) VCF-style: chr18-53017631-T-C.
Other names: p.T170A:ACA>GCA; c.814A>G, p.Thr272Ala (NM_001243226.3); c.436A>G, p.Thr146Ala (NM_001243227.2, NM_001348218.2, NM_001348219.2 and 9 more transcripts); c.508A>G, p.Thr170Ala (NM_001243228.2, NM_001369567.1, NM_001369568.1 and 5 more transcripts); c.502A>G, p.Thr168Ala (NM_001243230.2); c.382A>G, p.Thr128Ala (NM_001243231.2, NM_001348211.2); c.433A>G, p.Thr145Ala (NM_001348220.1, NM_001369584.1, NM_001369585.1 and 3 more transcripts); c.505A>G, p.Thr169Ala (NM_001369569.1, NM_001369570.1, NM_001369573.1); and 2 more; short protein forms T170A, T128A, T146A, T40A, T145A, T168A, T169A, T272A.
Identifiers: ClinVar variation 207533 (VCV000207533.6), dbSNP rs796053417, ClinGen allele CA319102.
Genomic context (GRCh38, chr18:55,350,400, plus strand): 5'-AGAAACAAGCAGTACTTACTGAAGATGGCAAACCTGGAGGAACTTTTCGAACTTTCTTTG[T>C]CTGTACCTCTGAAAGAAAATGAAGATGCTTTCAGCTCCCAAATGCCCATTTTCCTAACTA-3'
Protein context (NP_001077431.1, residues 160-180): PLHSSAMEVQ[Thr170Ala]KKVRKVPPGL